The following is an entry in ClinVar:

NM_002693.3(POLG):c.234dup (p.Leu79fs)

Genes: POLG (DNA polymerase gamma, catalytic subunit; minus strand), POLGARF (POLG alternative reading frame; minus strand). Cytogenetic location: 15q26.1.
Variant type: Duplication.
Coding change: c.234dup on transcript NM_002693.3 (MANE Select); coding-DNA position 234, one base duplicated (G; older notation c.234dupG).
Protein change: p.Leu79fs; shifts the reading frame from leucine 79.
Molecular consequence: frameshift variant.
Genome position (GRCh38, 1-based): chr15:89,333,521, C duplicated on the plus strand (G on the coding strand, the reverse complement: POLG is on the minus strand). VCF-style (leftmost placement, unchanged base first): chr15-89333520-G-GC. GRCh37 (hg19) VCF-style: chr15-89876751-G-GC.
Other names: c.289dup, p.Ala97fs (NM_001430120.1); c.234dup, p.Leu79fs (NM_001126131.2); short protein forms A97fs, L79fs.
Identifiers: ClinVar variation 5036896 (VCV005036896.1).

ClinVar aggregate classification (germline): Likely pathogenic (1 of 4 stars; one submission).

Submission:

GeneDx
Classification: Likely pathogenic. Last evaluated: 2026-04-06. Review status: criteria provided, single submitter. Criteria: GeneDx Variant Classification Process June 2021. Collection method: clinical testing. Allele origin: germline.
Comment: Frameshift variant predicted to result in protein truncation or nonsense mediated decay in a gene for which loss of function is a known mechanism of disease; Not observed at significant frequency in large population cohorts (gnomAD); Has not been previously published as pathogenic or benign to our knowledge